The following is an entry in ClinVar:

ClinVar aggregate classification (germline): Conflicting classifications of pathogenicity. Review status: criteria provided, conflicting classifications (1 of 4 stars). 8 submissions from 8 submitters: Uncertain significance (4); Benign (1); Likely benign (3). Last evaluated 2026-01-27.

Conditions:
ADGRV1-related disorder. Also called: ADGRV1-related condition; ADGRV1-related disorders.
Inborn genetic diseases. Identifiers: MedGen C0950123, MeSH D030342.
Usher syndrome type 2C. Also called: Usher syndrome, type 2B; USHER SYNDROME, TYPE IIC. Identifiers: Orphanet 231178, Orphanet 886, MedGen C2931213, MONDO:0011558, OMIM 605472.
Febrile seizures, familial, 4 (FEB4). Also called: CONVULSIONS, FAMILIAL FEBRILE, 4. Identifiers: MedGen C1858493, MONDO:0011443, OMIM 604352.

Allele frequency attached by ClinVar (database versions not stated): gnomAD exomes 0.00012; 1000 Genomes Project 30x 0.00016; ExAC 0.00016; 1000 Genomes Project 0.00020; ESP Exome Variant Server 0.00033; gnomAD 0.00053 and 0.00060; TOPMed 0.00057.
gnomAD v4.1: 162 of 1,614,000 alleles (0.01%); highest among the groups gnomAD compares: African/African-American, 0.19%; no homozygotes.

Submissions (8):

Labcorp Genetics (formerly Invitae), Labcorp
Classification: Benign. Last evaluated: 2026-01-27. Review status: criteria provided, single submitter. Criteria: Invitae Variant Classification Sherloc (09022015). Collection method: clinical testing. Allele origin: germline.

Women's Health and Genetics/Laboratory Corporation of America, LabCorp
Classification: Uncertain significance. Last evaluated: 2026-01-16. Review status: criteria provided, single submitter. Criteria: LabCorp Variant Classification Summary - May 2015. Collection method: clinical testing. Allele origin: germline.
Comment: Variant summary: ADGRV1 c.4487A>G (p.Tyr1496Cys) results in a non-conservative amino acid change in the encoded protein sequence. Algorithms developed to predict the effect of missense changes on protein structure and function are either unavailable or do not agree on the potential impact of this missense change. The variant allele was found at a frequency of 0.00012 in 249216 control chromosomes. This frequency is not significantly higher than estimated for disease-causing variants in ADGRV1, allowing no conclusion about variant significance. To our knowledge, no occurrence of c.4487A>G in individuals affected with ADGRV1-related conditions and no experimental evidence demonstrating its impact on protein function have been reported. ClinVar contains an entry for this variant (Variation ID: 290823). Based on the evidence outlined above, the variant was classified as uncertain significance.

PreventionGenetics, part of Exact Sciences
Classification: Likely benign for ADGRV1-related condition. Last evaluated: 2024-11-17. Review status: criteria provided, single submitter. Criteria: ACMG Guidelines, 2015. Collection method: clinical testing. Allele origin: germline.
Comment: This variant is classified as likely benign based on ACMG/AMP sequence variant interpretation guidelines (Richards et al. 2015 PMID: 25741868, with internal and published modifications).

Blueprint Genetics
Classification: Likely benign. Last evaluated: 2024-10-22. Review status: criteria provided, single submitter. Criteria: ACMG Guidelines, 2015. Collection method: clinical testing. Allele origin: germline.

Ambry Genetics
Classification: Uncertain significance for Inborn genetic diseases. Last evaluated: 2021-08-17. Review status: criteria provided, single submitter. Criteria: Ambry Variant Classification Scheme 2023. Collection method: clinical testing. Allele origin: germline.

Fulgent Genetics
Classification: Uncertain significance for Febrile seizures, familial, 4; Usher syndrome type 2C. Last evaluated: 2018-10-31. Review status: criteria provided, single submitter. Criteria: ACMG Guidelines, 2015. Collection method: clinical testing. Allele origin: unknown.

GeneDx
Classification: Likely benign. Last evaluated: 2018-05-12. Review status: criteria provided, single submitter. Criteria: GeneDx Variant Classification (06012015). Collection method: clinical testing. Allele origin: germline. Affected: yes.
Comment: This variant is considered likely benign or benign based on one or more of the following criteria: it is a conservative change, it occurs at a poorly conserved position in the protein, it is predicted to be benign by multiple in silico algorithms, and/or has population frequency not consistent with disease.

Eurofins Ntd Llc (ga)
Classification: Uncertain significance. Last evaluated: 2016-09-12. Review status: criteria provided, single submitter. Criteria: EGL Classification Definitions 2015. Collection method: clinical testing. Allele origin: germline. Observed: 1 variant allele, 1 heterozygote.

NM_032119.4(ADGRV1):c.4487A>G (p.Tyr1496Cys)

Gene: ADGRV1 (adhesion G protein-coupled receptor V1; plus strand). Cytogenetic location: 5q14.3.
Variant type: single nucleotide variant.
Coding change: c.4487A>G on transcript NM_032119.4 (MANE Select); coding-DNA position 4487, A replaced by G.
Protein change: p.Tyr1496Cys; replaces tyrosine 1496 with cysteine.
Molecular consequence: missense variant. On other transcripts: non-coding transcript variant (1).
Genome position (GRCh38, 1-based): chr5:90,658,013, A>G. VCF-style: chr5-90658013-A-G. GRCh37 (hg19) VCF-style: chr5-89953830-A-G.
Other names: short protein forms Y1496C.
Identifiers: ClinVar variation 290823 (VCV000290823.19), dbSNP rs376401006, ClinGen allele CA3339358.